The following is an entry in ClinVar:

ClinVar aggregate classification (germline): Likely benign (1 of 4 stars; one submission).

Submission:

CeGaT Center for Human Genetics Tuebingen
Classification: Likely benign. Last evaluated: 2024-03-01. Review status: criteria provided, single submitter. Criteria: CeGaT Center For Human Genetics Tuebingen Variant Classification Criteria Version 2. Collection method: clinical testing. Allele origin: germline. Affected: yes. Observed: 1 variant allele.
Comment: FLG: BP4, BP7

NM_002016.2(FLG):c.5700G>A (p.Val1900=)

Genes: CCDST (cervical cancer associated DHX9 suppressive transcript; plus strand), FLG (filaggrin; minus strand). Cytogenetic location: 1q21.3.
Variant type: single nucleotide variant.
Coding change: c.5700G>A on transcript NM_002016.2 (MANE Select); coding-DNA position 5700, G replaced by A.
Protein change: p.Val1900=; no amino-acid change (valine 1900 retained).
Molecular consequence: synonymous variant.
Genome position (GRCh38, 1-based): chr1:152,309,186, C>T on the plus strand (G>A on the coding strand, the complement: FLG is on the minus strand). VCF-style: chr1-152309186-C-T. GRCh37 (hg19) VCF-style: chr1-152281662-C-T.
Identifiers: ClinVar variation 3067412 (VCV003067412.21), dbSNP rs537598102, ClinGen allele CA420929395.